The following is an entry in ClinVar:

ClinVar aggregate classification (germline): Uncertain significance (1 of 4 stars; one submission).

Conditions:
Werner syndrome (WRN). Identifiers: Orphanet 902, MedGen C0043119, MONDO:0010196, OMIM 277700.

Submission:

Labcorp Genetics (formerly Invitae), Labcorp
Classification: Uncertain significance for Werner syndrome. Last evaluated: 2023-07-17. Review status: criteria provided, single submitter. Criteria: Invitae Variant Classification Sherloc (09022015). Collection method: clinical testing. Allele origin: germline.
Comment: This variant has not been reported in the literature in individuals affected with WRN-related conditions. In summary, the available evidence is currently insufficient to determine the role of this variant in disease. Therefore, it has been classified as a Variant of Uncertain Significance. Algorithms developed to predict the effect of sequence changes on RNA splicing suggest that this variant may disrupt the consensus splice site. An algorithm developed to predict the effect of missense changes on protein structure and function (PolyPhen-2) suggests that this variant is likely to be tolerated. ClinVar contains an entry for this variant (Variation ID: 644296). This variant is not present in population databases (gnomAD no frequency). This sequence change replaces isoleucine, which is neutral and non-polar, with phenylalanine, which is neutral and non-polar, at codon 1118 of the WRN protein (p.Ile1118Phe).

NM_000553.6(WRN):c.3352A>T (p.Ile1118Phe)

Gene: WRN (WRN RecQ like helicase; plus strand). Cytogenetic location: 8p12.
Variant type: single nucleotide variant.
Coding change: c.3352A>T on transcript NM_000553.6 (MANE Select); coding-DNA position 3352, A replaced by T.
Protein change: p.Ile1118Phe; replaces isoleucine 1118 with phenylalanine.
Molecular consequence: missense variant.
Genome position (GRCh38, 1-based): chr8:31,143,592, A>T. VCF-style: chr8-31143592-A-T. GRCh37 (hg19) VCF-style: chr8-31001108-A-T.
Other names: short protein forms I1118F.
Identifiers: ClinVar variation 644296 (VCV000644296.4), dbSNP rs1585517864, ClinGen allele CA370924115.